The following is an entry in ClinVar:

ClinVar aggregate classification (germline): Uncertain significance (1 of 4 stars; one submission).

Conditions:
FG syndrome (FGS). Identifiers: MedGen C0220769, MONDO:0002010.

Submission:

Labcorp Genetics (formerly Invitae), Labcorp
Classification: Uncertain significance for FG syndrome. Last evaluated: 2023-07-12. Review status: criteria provided, single submitter. Criteria: Invitae Variant Classification Sherloc (09022015). Collection method: clinical testing. Allele origin: germline.
Comment: This variant is not present in population databases (gnomAD no frequency). In summary, the available evidence is currently insufficient to determine the role of this variant in disease. Therefore, it has been classified as a Variant of Uncertain Significance. Advanced modeling of protein sequence and biophysical properties (such as structural, functional, and spatial information, amino acid conservation, physicochemical variation, residue mobility, and thermodynamic stability) performed at Invitae indicates that this missense variant is not expected to disrupt MED12 protein function. This variant has not been reported in the literature in individuals affected with MED12-related conditions. This sequence change replaces asparagine, which is neutral and polar, with serine, which is neutral and polar, at codon 1333 of the MED12 protein (p.Asn1333Ser).

NM_005120.3(MED12):c.3998A>G (p.Asn1333Ser)

Gene: MED12 (mediator complex subunit 12; plus strand). Cytogenetic location: Xq13.1.
Variant type: single nucleotide variant.
Coding change: c.3998A>G on transcript NM_005120.3 (MANE Select); coding-DNA position 3998, A replaced by G.
Protein change: p.Asn1333Ser; replaces asparagine 1333 with serine.
Molecular consequence: missense variant.
Genome position (GRCh38, 1-based): chrX:71,130,165, A>G. VCF-style: chrX-71130165-A-G. GRCh37 (hg19) VCF-style: chrX-70350015-A-G.
Other names: short protein forms N1333S.
Identifiers: ClinVar variation 2851015 (VCV002851015.3), dbSNP rs2519695195, ClinGen allele CA413524100.